The following is an entry in ClinVar:

NM_019892.6(INPP5E):c.627A>G (p.Ala209=)

Gene: INPP5E (inositol polyphosphate-5-phosphatase E; minus strand). Cytogenetic location: 9q34.3.
Variant type: single nucleotide variant.
Coding change: c.627A>G on transcript NM_019892.6 (MANE Select); coding-DNA position 627, A replaced by G.
Protein change: p.Ala209=; no amino-acid change (alanine 209 retained).
Molecular consequence: synonymous variant.
Genome position (GRCh38, 1-based): chr9:136,438,793, T>C on the plus strand (A>G on the coding strand, the complement: INPP5E is on the minus strand). VCF-style: chr9-136438793-T-C. GRCh37 (hg19) VCF-style: chr9-139333245-T-C.
Other names: c.627A>G, p.Ala209= (NM_001318502.2); c.627A>G (NM_019892.5).
Identifiers: ClinVar variation 2731313 (VCV002731313.5), dbSNP rs758745316, ClinGen allele CA5337117.

ClinVar aggregate classification (germline): Likely benign. Review status: criteria provided, single submitter (1 of 4 stars). 2 submissions from 2 submitters: Likely benign (1). 1 of the submissions does not count toward it. Last evaluated 2023-11-13.

Conditions:
INPP5E-related disorder. Also called: INPP5E-related condition.
Joubert syndrome. Also called: CEREBELLOPARENCHYMAL DISORDER IV; JOUBERT-BOLTSHAUSER SYNDROME; Familial aplasia of the vermis. Identifiers: Orphanet 475, MedGen C5979921, MONDO:0018772.

Allele frequency attached by ClinVar (database versions not stated): gnomAD exomes below 0.00001; ExAC 0.00004; gnomAD 0.00009.
gnomAD v4.1: 19 of 1,612,086 alleles (0.0012%); highest among the groups gnomAD compares: African/African-American, 0.023%; no homozygotes.

Submissions (2):

Labcorp Genetics (formerly Invitae), Labcorp
Classification: Likely benign for Joubert syndrome. Last evaluated: 2023-11-13. Review status: criteria provided, single submitter. Criteria: Invitae Variant Classification Sherloc (09022015). Collection method: clinical testing. Allele origin: germline.

PreventionGenetics, part of Exact Sciences
Classification: Likely benign for INPP5E-related condition. Last evaluated: 2021-12-09. Review status: no assertion criteria provided. Collection method: clinical testing. Allele origin: germline. Not counted in ClinVar's aggregate classification.
Comment: This variant is classified as likely benign based on ACMG/AMP sequence variant interpretation guidelines (Richards et al. 2015 PMID: 25741868, with internal and published modifications).